The following is an entry in ClinVar:

ClinVar aggregate classification (germline): Pathogenic. Review status: criteria provided, multiple submitters, no conflicts (2 of 4 stars). 2 submissions from 2 submitters: Pathogenic (2). Last evaluated 2020-05-11.

Conditions:
Hereditary cancer-predisposing syndrome. Also called: Hereditary neoplastic syndrome; Tumor predisposition; Neoplastic Syndromes, Hereditary; Hereditary Cancer Syndrome. Identifiers: Orphanet 140162, MedGen C0027672, MeSH D009386, MONDO:0015356.
Hereditary diffuse gastric adenocarcinoma (HDGC). Also called: DIFFUSE GASTRIC AND LOBULAR BREAST CANCER SYNDROME. Identifiers: Orphanet 26106, MedGen C1708349, MONDO:0007648, OMIM 137215.

Submissions (2):

Color Diagnostics, LLC DBA Color Health
Classification: Pathogenic for Hereditary cancer-predisposing syndrome. Last evaluated: 2020-05-11. Review status: criteria provided, single submitter. Criteria: ACMG Guidelines, 2015. Collection method: clinical testing. Allele origin: germline.
Comment: This variant changes 1 nucleotide in exon 7 of the CDH1 gene, creating a premature translation stop signal. This variant is expected to result in an absent or non-functional protein product. To our knowledge, this variant has not been reported in individuals affected with hereditary cancer in the literature. This variant has not been identified in the general population by the Genome Aggregation Database (gnomAD). Loss of CDH1 function is a known mechanism of disease. Based on the available evidence, this variant is classified as Pathogenic.

Labcorp Genetics (formerly Invitae), Labcorp
Classification: Pathogenic for Hereditary diffuse gastric adenocarcinoma. Last evaluated: 2019-10-29. Review status: criteria provided, single submitter. Criteria: Invitae Variant Classification Sherloc (09022015). Collection method: clinical testing. Allele origin: germline.
Comment: This sequence change creates a premature translational stop signal (p.Tyr296*) in the CDH1 gene. It is expected to result in an absent or disrupted protein product. This variant is not present in population databases (ExAC no frequency). This variant has not been reported in the literature in individuals with CDH1-related conditions. Loss-of-function variants in CDH1 are known to be pathogenic (PMID: 15235021, 20373070). For these reasons, this variant has been classified as Pathogenic.

Literature cited by the submitters: PubMed 15235021 (cited by Labcorp Genetics (formerly Invitae), Labcorp); PubMed 20373070 (cited by Labcorp Genetics (formerly Invitae), Labcorp).

NM_004360.5(CDH1):c.888C>A (p.Tyr296Ter)

Gene: CDH1 (cadherin 1; plus strand). Cytogenetic location: 16q22.1.
Variant type: single nucleotide variant.
Coding change: c.888C>A on transcript NM_004360.5 (MANE Select); coding-DNA position 888, C replaced by A.
Protein change: p.Tyr296Ter; replaces tyrosine 296 with a stop codon.
Molecular consequence: nonsense. On other transcripts: 5 prime UTR variant (2).
Genome position (GRCh38, 1-based): chr16:68,811,739, C>A. VCF-style: chr16-68811739-C-A. GRCh37 (hg19) VCF-style: chr16-68845642-C-A.
Other names: c.888C>A, p.Tyr296Ter (NM_001317184.2); c.-728C>A (NM_001317185.2); c.-932C>A (NM_001317186.2); short protein forms Y296*.
Identifiers: ClinVar variation 958856 (VCV000958856.10), dbSNP rs895188181, ClinGen allele CA396459653.